The following is an entry in ClinVar:

ClinVar aggregate classification (germline): Uncertain significance (1 of 4 stars; one submission).

Conditions:
Inborn genetic diseases. Identifiers: MedGen C0950123, MeSH D030342.

Submission:

Ambry Genetics
Classification: Uncertain significance for Inborn genetic diseases. Last evaluated: 2026-08-03. Review status: criteria provided, single submitter. Criteria: Ambry Variant Classification Scheme 2023. Collection method: clinical testing. Allele origin: germline.
Comment: The p.Q1193K variant (also known as c.3577C>A), located in coding exon 14 of the FANCM gene, results from a C to A substitution at nucleotide position 3577. The glutamine at codon 1193 is replaced by lysine, an amino acid with similar properties. This amino acid position is conserved. In addition, this alteration is predicted to be tolerated by in silico analysis. Based on the available evidence, the clinical significance of this variant remains unclear.

NM_020937.4(FANCM):c.3577C>A (p.Gln1193Lys)

Gene: FANCM (FA complementation group M; plus strand). Cytogenetic location: 14q21.2.
Variant type: single nucleotide variant.
Coding change: c.3577C>A on transcript NM_020937.4 (MANE Select); coding-DNA position 3577, C replaced by A.
Protein change: p.Gln1193Lys; replaces glutamine 1193 with lysine.
Molecular consequence: missense variant.
Genome position (GRCh38, 1-based): chr14:45,176,331, C>A. VCF-style: chr14-45176331-C-A. GRCh37 (hg19) VCF-style: chr14-45645534-C-A.
Other names: c.3499C>A, p.Gln1167Lys (NM_001308133.2); short protein forms Q1193K, Q1167K.
Identifiers: ClinVar variation 2267387 (VCV002267387.3), dbSNP rs978210562, ClinGen allele CA259628388.